The following is an entry in ClinVar:

NM_004519.4(KCNQ3):c.934-228C>T

Gene: KCNQ3 (potassium voltage-gated channel subfamily Q member 3; minus strand). Cytogenetic location: 8q24.22.
Variant type: single nucleotide variant.
Coding change: c.934-228C>T on transcript NM_004519.4 (MANE Select); 228 bases into the intron before coding-DNA position 934, C replaced by T.
Molecular consequence: intron variant.
Genome position (GRCh38, 1-based): chr8:132,174,577, G>A on the plus strand (C>T on the coding strand, the complement: KCNQ3 is on the minus strand). VCF-style: chr8-132174577-G-A. GRCh37 (hg19) VCF-style: chr8-133186824-G-A.
Other names: c.574-228C>T (NM_001204824.2).
Identifiers: ClinVar variation 682076 (VCV000682076.1), dbSNP rs10505590, ClinGen allele CA12798900.
Genomic context (GRCh38, chr8:132,174,577, plus strand): 5'-GCCTTGAGACTTGTTGATAAGTTAAGGGTTTCCTACCTTAGTCAGTCAACAAATATTTCA[G>A]CAATTGCAAATGTGTATGTACACGAGCATTCATGTGTGTGTATATTTGTGAATTTGTGAT-3'

ClinVar aggregate classification (germline): Benign (1 of 4 stars; one submission).

Allele frequency attached by ClinVar (database versions not stated): 1000 Genomes Project 30x 0.02327; 1000 Genomes Project 0.02416; TOPMed 0.04347; gnomAD 0.05116 and 0.05304.
gnomAD v4.1: 7,783 of 152,256 alleles (5.1%); highest among the groups gnomAD compares: Non-Finnish European, 7.4%; 316 homozygotes.

Submission:

GeneDx
Classification: Benign. Last evaluated: 2018-06-19. Review status: criteria provided, single submitter. Criteria: GeneDx Variant Classification (06012015). Collection method: clinical testing. Allele origin: germline. Affected: yes.
Comment: This variant is considered likely benign or benign based on one or more of the following criteria: it is a conservative change, it occurs at a poorly conserved position in the protein, it is predicted to be benign by multiple in silico algorithms, and/or has population frequency not consistent with disease.